The following is an entry in ClinVar:

ClinVar aggregate classification (germline): Uncertain significance (1 of 4 stars; one submission).

gnomAD v4.1: 6 of 1,609,874 alleles (0.00037%); highest among the groups gnomAD compares: South Asian, 0.0044%; no homozygotes.

Submission:

Labcorp Genetics (formerly Invitae), Labcorp
Classification: Uncertain significance. Last evaluated: 2025-02-17. Review status: criteria provided, single submitter. Criteria: Invitae Variant Classification Sherloc (09022015). Collection method: clinical testing. Allele origin: germline.
Comment: This sequence change falls in intron 2 of the DNAH9 gene. It does not directly change the encoded amino acid sequence of the DNAH9 protein. It affects a nucleotide within the consensus splice site. This variant is present in population databases (rs757693791, gnomAD 0.003%). This variant has not been reported in the literature in individuals affected with DNAH9-related conditions. Variants that disrupt the consensus splice site are a relatively common cause of aberrant splicing (PMID: 17576681, 9536098). Algorithms developed to predict the effect of sequence changes on RNA splicing suggest that this variant is not likely to affect RNA splicing. In summary, the available evidence is currently insufficient to determine the role of this variant in disease. Therefore, it has been classified as a Variant of Uncertain Significance.

Literature cited by the submitters: PubMed 17576681; PubMed 9536098.

NM_001372.4(DNAH9):c.615-3C>T

Gene: DNAH9 (dynein axonemal heavy chain 9; plus strand). Cytogenetic location: 17p12.
Variant type: single nucleotide variant.
Coding change: c.615-3C>T on transcript NM_001372.4 (MANE Select); 3 bases into the intron before coding-DNA position 615, C replaced by T.
Molecular consequence: intron variant.
Genome position (GRCh38, 1-based): chr17:11,610,393, C>T. VCF-style: chr17-11610393-C-T. GRCh37 (hg19) VCF-style: chr17-11513710-C-T.
Identifiers: ClinVar variation 4765269 (VCV004765269.1).